The following is an entry in ClinVar:

NM_005546.4(ITK):c.326-18G>A

Gene: ITK (IL2 inducible T cell kinase; plus strand). Cytogenetic location: 5q33.3.
Variant type: single nucleotide variant.
Coding change: c.326-18G>A on transcript NM_005546.4 (MANE Select); 18 bases into the intron before coding-DNA position 326, G replaced by A.
Molecular consequence: intron variant.
Genome position (GRCh38, 1-based): chr5:157,214,173, G>A. VCF-style: chr5-157214173-G-A. GRCh37 (hg19) VCF-style: chr5-156641184-G-A.
Identifiers: ClinVar variation 4732321 (VCV004732321.1).
Genomic context (GRCh38, chr5:157,214,173, plus strand): 5'-CTCGAGGTGTTATAAAATTGGTAGCCCTTGATAGACTGACCTGGAAATAACTCTTCTGTT[G>A]GTGCCAACCTGTTTCAGAAACGAGGAATAATAACAGTTTGGTGCCTAAATATCATCCTAA-3'

ClinVar aggregate classification (germline): Uncertain significance (1 of 4 stars; one submission).

Conditions:
Lymphoproliferative syndrome 1 (LPFS1). Identifiers: Orphanet 238505, Orphanet 538963, MedGen C3552634, MONDO:0013081, OMIM 613011.

Submission:

Labcorp Genetics (formerly Invitae), Labcorp
Classification: Uncertain significance for Lymphoproliferative syndrome 1. Last evaluated: 2025-12-01. Review status: criteria provided, single submitter. Criteria: Invitae Variant Classification Sherloc (09022015). Collection method: clinical testing. Allele origin: germline.
Comment: This sequence change falls in intron 3 of the ITK gene. It does not directly change the encoded amino acid sequence of the ITK protein. This variant is not present in population databases (gnomAD no frequency). This variant has not been reported in the literature in individuals affected with ITK-related conditions. Algorithms developed to predict the effect of sequence changes on RNA splicing suggest that this variant may disrupt the consensus splice site. In summary, the available evidence is currently insufficient to determine the role of this variant in disease. Therefore, it has been classified as a Variant of Uncertain Significance.